The following is an entry in ClinVar:

NM_001040108.2(MLH3):c.2T>C (p.Met1Thr)

Gene: MLH3 (mutL homolog 3; minus strand). Cytogenetic location: 14q24.3.
Variant type: single nucleotide variant.
Coding change: c.2T>C on transcript NM_001040108.2 (MANE Select); coding-DNA position 2, T replaced by C.
Protein change: p.Met1Thr; changes the start codon (methionine 1).
Molecular consequence: missense variant, initiator codon variant.
Genome position (GRCh38, 1-based): chr14:75,049,654, A>G on the plus strand (T>C on the coding strand, the complement: MLH3 is on the minus strand). VCF-style: chr14-75049654-A-G. GRCh37 (hg19) VCF-style: chr14-75516357-A-G.
Other names: c.2T>C, p.Met1Thr (NM_014381.3); short protein forms M1T.
Identifiers: ClinVar variation 4552121 (VCV004552121.2).

ClinVar aggregate classification (germline): Likely pathogenic (1 of 4 stars; one submission).

Submission:

Ambry Genetics
Classification: Likely pathogenic. Last evaluated: 2026-06-12. Review status: criteria provided, single submitter. Criteria: Ambry Variant Classification Scheme 2023. Collection method: clinical testing. Allele origin: germline.
Comment: The p.M1T variant (also known as c.2T>C), located in coding exon 1 of the MLH3 gene, results from a T to C substitution at nucleotide position 2. This alters the methionine residue at the initiation codon (ATG). This variant is considered to be rare based on population cohorts in the Genome Aggregation Database (gnomAD). This amino acid position is highly conserved in available vertebrate species. Sequence variations that modify the initiation codon are expected to result in either loss of translation initiation, N-terminal truncation, or cause a shift in the mRNA reading frame. Based on the majority of available evidence to date, this variant is likely to be pathogenic.